The following is an entry in ClinVar:

NM_001267550.2(TTN):c.12881_12884del (p.Glu4294fs)

Gene: TTN (titin; minus strand). Cytogenetic location: 2q31.2.
Variant type: Deletion.
Coding change: c.12881_12884del on transcript NM_001267550.2 (MANE Select); coding-DNA positions 12881 to 12884, 4 bases deleted (AACA; older notation c.12881_12884delAACA).
Protein change: p.Glu4294fs; shifts the reading frame from glutamic acid 4294.
Molecular consequence: frameshift variant. On other transcripts: intron variant (1).
Genome position (GRCh38, 1-based): chr2:178,740,349-178,740,352, TGTT deleted on the plus strand (AACA on the coding strand, the reverse complement: TTN is on the minus strand). VCF-style (leftmost placement, unchanged base first): chr2-178740348-GTGTT-G. GRCh37 (hg19) VCF-style: chr2-179605075-GTGTT-G.
Other names: c.11930_11933del, p.Glu3977fs (NM_001256850.1); c.11792_11795del, p.Glu3931fs (NM_003319.4); c.12167_12170del, p.Glu4056fs (NM_133432.3); c.12368_12371del, p.Glu4123fs (NM_133437.4); c.10361-1992_10361-1989del (NM_133378.4); short protein forms E3977fs, E4056fs, E4123fs, E4294fs, E3931fs.
Identifiers: ClinVar variation 4784192 (VCV004784192.1).

ClinVar aggregate classification (germline): Likely pathogenic (1 of 4 stars; one submission).

Conditions:
Dilated cardiomyopathy 1G (CMD1G). Identifiers: Orphanet 154, MedGen C1858763, MONDO:0011400, OMIM 604145.
Autosomal recessive limb-girdle muscular dystrophy type 2J (LGMDR10). Also called: Limb-girdle muscular dystrophy, type 2J; MUSCULAR DYSTROPHY, LIMB-GIRDLE, AUTOSOMAL RECESSIVE 10. Identifiers: Orphanet 140922, MedGen C1837342, MONDO:0012127, OMIM 608807.

Submission:

Labcorp Genetics (formerly Invitae), Labcorp
Classification: Likely pathogenic for Dilated cardiomyopathy 1G; Autosomal recessive limb-girdle muscular dystrophy type 2J. Last evaluated: 2025-11-13. Review status: criteria provided, single submitter. Criteria: Invitae Variant Classification Sherloc (09022015). Collection method: clinical testing. Allele origin: germline.
Comment: This sequence change creates a premature translational stop signal (p.Glu4294Alafs*10) in the TTN gene. While this is not anticipated to result in nonsense mediated decay, it is expected to create a truncated TTN protein. This variant is not present in population databases (gnomAD no frequency). This variant has not been reported in the literature in individuals affected with TTN-related conditions. This variant is located in the I band of TTN (PMID: 25589632). Truncating variants in this region have been reported in individuals affected with autosomal recessive centronuclear myopathy (PMID: 23975875, internal data). Truncating variants in this region have also been identified in individuals affected with autosomal dominant dilated cardiomyopathy and/or cardio-related conditions (PMID: 27869827, 32964742, internal data). In summary, the currently available evidence indicates that the variant is pathogenic, but additional data are needed to prove that conclusively. Therefore, this variant has been classified as Likely Pathogenic.

Literature cited by the submitters: PubMed 25589632; PubMed 23975875; PubMed 27869827; PubMed 32964742.